The following is an entry in ClinVar:

ClinVar aggregate classification (germline): Uncertain significance (1 of 4 stars; one submission).

Conditions:
Familial hypocalciuric hypercalcemia (FHH). Also called: Familial benign hypercalcemia. Identifiers: Orphanet 405, MedGen C1809471, MONDO:0018458.
Autosomal dominant hypocalcemia 1 (HYPOC1). Also called: HYPOCALCEMIA, FAMILIAL. Identifiers: MedGen C3715128, MONDO:0011013, OMIM 601198.

Allele frequency attached by ClinVar (database versions not stated): gnomAD exomes below 0.00001.
gnomAD v4.1: 1 of 1,613,144 alleles (0.000062%); highest among the groups gnomAD compares: Non-Finnish European, 0.000085%; no homozygotes.

Submission:

Labcorp Genetics (formerly Invitae), Labcorp
Classification: Uncertain significance for Familial hypocalciuric hypercalcemia; Autosomal dominant hypocalcemia 1. Last evaluated: 2023-03-21. Review status: criteria provided, single submitter. Criteria: Invitae Variant Classification Sherloc (09022015). Collection method: clinical testing. Allele origin: germline.
Comment: In summary, the available evidence is currently insufficient to determine the role of this variant in disease. Therefore, it has been classified as a Variant of Uncertain Significance. An algorithm developed to predict the effect of missense changes on protein structure and function (PolyPhen-2) suggests that this variant is likely to be tolerated. ClinVar contains an entry for this variant (Variation ID: 574085). This variant has not been reported in the literature in individuals affected with CASR-related conditions. This variant is not present in population databases (gnomAD no frequency). This sequence change replaces threonine, which is neutral and polar, with alanine, which is neutral and non-polar, at codon 909 of the CASR protein (p.Thr909Ala).

NM_000388.4(CASR):c.2725A>G (p.Thr909Ala)

Gene: CASR (calcium sensing receptor; plus strand). Cytogenetic location: 3q21.1.
Variant type: single nucleotide variant.
Coding change: c.2725A>G on transcript NM_000388.4 (MANE Select); coding-DNA position 2725, A replaced by G.
Protein change: p.Thr909Ala; replaces threonine 909 with alanine.
Molecular consequence: missense variant.
Genome position (GRCh38, 1-based): chr3:122,284,679, A>G. VCF-style: chr3-122284679-A-G. GRCh37 (hg19) VCF-style: chr3-122003526-A-G.
Other names: c.2755A>G, p.Thr919Ala (NM_001178065.2); short protein forms T909A, T919A.
Identifiers: ClinVar variation 574085 (VCV000574085.10), dbSNP rs1559969557, ClinGen allele CA354160631.